The following is an entry in ClinVar:

NM_003060.4(SLC22A5):c.1586+6A>C

Gene: SLC22A5 (solute carrier family 22 member 5; plus strand). Cytogenetic location: 5q31.1.
Variant type: single nucleotide variant.
Coding change: c.1586+6A>C on transcript NM_003060.4 (MANE Select); 6 bases into the intron after coding-DNA position 1586, A replaced by C.
Molecular consequence: intron variant.
Genome position (GRCh38, 1-based): chr5:132,393,817, A>C. VCF-style: chr5-132393817-A-C. GRCh37 (hg19) VCF-style: chr5-131729509-A-C.
Other names: c.1658+6A>C (NM_001308122.2).
Identifiers: ClinVar variation 2100015 (VCV002100015.4), dbSNP rs2532141718, ClinGen allele CA2580072677.
Genomic context (GRCh38, chr5:132,393,817, plus strand): 5'-AGAGCTTCGGTACCCCACTCCCAGACACCATTGACCAGATGCTAAGAGTCAAAGGGTAAG[A>C]AGACCTCCTCTGTCAGTGTTGATGCACTGGGTCTGGGTCTGGCCAGGTCTCAGGAGCCCC-3'

ClinVar aggregate classification (germline): Uncertain significance (1 of 4 stars; one submission).

Conditions:
Renal carnitine transport defect (CDSP). Also called: Carnitine Deficiency, Systemic; CARNITINE DEFICIENCY, SYSTEMIC, DUE TO DEFECT IN RENAL REABSORPTION OF CARNITINE; CARNITINE TRANSPORTER, PLASMA-MEMBRANE, DEFICIENCY OF; CARNITINE UPTAKE DEFECT; Carnitine transporter deficiency; Systemic primary carnitine deficiency disease. Identifiers: Orphanet 158, MedGen C0342788, MONDO:0008919, OMIM 212140.

Submission:

Labcorp Genetics (formerly Invitae), Labcorp
Classification: Uncertain significance for Renal carnitine transport defect. Last evaluated: 2022-02-20. Review status: criteria provided, single submitter. Criteria: Invitae Variant Classification Sherloc (09022015). Collection method: clinical testing. Allele origin: germline.
Comment: This sequence change falls in intron 9 of the SLC22A5 gene. It does not directly change the encoded amino acid sequence of the SLC22A5 protein. It affects a nucleotide within the consensus splice site. In summary, the available evidence is currently insufficient to determine the role of this variant in disease. Therefore, it has been classified as a Variant of Uncertain Significance. Variants that disrupt the consensus splice site are a relatively common cause of aberrant splicing (PMID: 17576681, 9536098). Algorithms developed to predict the effect of sequence changes on RNA splicing suggest that this variant is not likely to affect RNA splicing. This variant has not been reported in the literature in individuals affected with SLC22A5-related conditions. This variant is not present in population databases (gnomAD no frequency).

Literature cited by the submitters: PubMed 17576681; PubMed 9536098.